The following is an entry in ClinVar:

NM_001184.4(ATR):c.7771C>T (p.His2591Tyr)

Gene: ATR (ATR checkpoint kinase; minus strand). Cytogenetic location: 3q23.
Variant type: single nucleotide variant.
Coding change: c.7771C>T on transcript NM_001184.4 (MANE Select); coding-DNA position 7771, C replaced by T.
Protein change: p.His2591Tyr; replaces histidine 2591 with tyrosine.
Molecular consequence: missense variant.
Genome position (GRCh38, 1-based): chr3:142,449,593, G>A on the plus strand (C>T on the coding strand, the complement: ATR is on the minus strand). VCF-style: chr3-142449593-G-A. GRCh37 (hg19) VCF-style: chr3-142168435-G-A.
Other names: c.7579C>T, p.His2527Tyr (NM_001354579.2); short protein forms H2527Y, H2591Y.
Identifiers: ClinVar variation 2567854 (VCV002567854.2), dbSNP rs2070735243, ClinGen allele CA354793973.
Genomic context (GRCh38, chr3:142,449,593, plus strand): 5'-CTGTCACTCTATTTCGAGTCTTGATTACACCTTGTAGTCGCTGCTCAATGTCAAGAACAT[G>A]GGTCTTGGCCTAAAAAGAAGAAACATAAAACCAAAAACAGATGTTAATAATTTGGAATTA-3'
Protein context (NP_001175.2, residues 2581-2601): GEVVNEKAKT[His2591Tyr]VLDIEQRLQG

ClinVar aggregate classification (germline): Uncertain significance (1 of 4 stars; one submission).

Conditions:
Inborn genetic diseases. Identifiers: MedGen C0950123, MeSH D030342.

Allele frequency attached by ClinVar (database versions not stated): TOPMed below 0.00001.

Submission:

Ambry Genetics
Classification: Uncertain significance for Inborn genetic diseases. Last evaluated: 2023-06-14. Review status: criteria provided, single submitter. Criteria: Ambry Variant Classification Scheme 2023. Collection method: clinical testing. Allele origin: germline.
Comment: The p.H2591Y variant (also known as c.7771C>T), located in coding exon 47 of the ATR gene, results from a C to T substitution at nucleotide position 7771. The histidine at codon 2591 is replaced by tyrosine, an amino acid with similar properties. This amino acid position is conserved. In addition, the in silico prediction for this alteration is inconclusive. Since supporting evidence is limited at this time, the clinical significance of this alteration remains unclear.